The following is an entry in ClinVar:

ClinVar aggregate classification (germline): Uncertain significance (1 of 4 stars; one submission).

Allele frequency attached by ClinVar (database versions not stated): TOPMed 0.00002; gnomAD 0.00003; gnomAD exomes 0.00003; ExAC 0.00007; ESP Exome Variant Server 0.00008.
gnomAD v4.1: 54 of 1,612,638 alleles (0.0033%); highest among the groups gnomAD compares: Middle Eastern, 0.15%; no homozygotes.

Submission:

Ambry Genetics
Classification: Uncertain significance. Last evaluated: 2024-10-24. Review status: criteria provided, single submitter. Criteria: Ambry Variant Classification Scheme 2023. Collection method: clinical testing. Allele origin: germline.
Comment: The p.G433R variant (also known as c.1297G>A), located in coding exon 5 of the PALLD gene, results from a G to A substitution at nucleotide position 1297. The glycine at codon 433 is replaced by arginine, an amino acid with dissimilar properties. This amino acid position is conserved. In addition, the in silico prediction for this alteration is inconclusive. Since supporting evidence is limited at this time, the clinical significance of this alteration remains unclear.

NM_001166108.2(PALLD):c.1297G>A (p.Gly433Arg)

Gene: PALLD (palladin, cytoskeletal associated protein; plus strand). Cytogenetic location: 4q32.3.
Variant type: single nucleotide variant.
Coding change: c.1297G>A on transcript NM_001166108.2 (MANE Select); coding-DNA position 1297, G replaced by A.
Protein change: p.Gly433Arg; replaces glycine 433 with arginine.
Molecular consequence: missense variant.
Genome position (GRCh38, 1-based): chr4:168,685,521, G>A. VCF-style: chr4-168685521-G-A. GRCh37 (hg19) VCF-style: chr4-169606672-G-A.
Other names: c.151G>A, p.Gly51Arg (NM_001166109.2); c.1297G>A, p.Gly433Arg (NM_016081.4); short protein forms G51R, G433R.
Identifiers: ClinVar variation 1769246 (VCV001769246.3), dbSNP rs377676665, ClinGen allele CA3135571.